The following is an entry in ClinVar:

ClinVar aggregate classification (germline): Uncertain significance (1 of 4 stars; one submission).

Conditions:
MHC class I deficiency. Identifiers: Orphanet 34592, MedGen C6024714, MONDO:0011476.

Allele frequency attached by ClinVar (database versions not stated): ExAC 0.00001; gnomAD exomes below 0.00001; TOPMed 0.00002; gnomAD 0.00001.
gnomAD v4.1: 3 of 1,612,844 alleles (0.00019%); highest among the groups gnomAD compares: African/African-American, 0.004%; no homozygotes.

Submission:

Labcorp Genetics (formerly Invitae), Labcorp
Classification: Uncertain significance for MHC class I deficiency 1. Last evaluated: 2019-03-13. Review status: criteria provided, single submitter. Criteria: Invitae Variant Classification Sherloc (09022015). Collection method: clinical testing. Allele origin: germline.
Comment: This sequence change replaces isoleucine with valine at codon 221 of the TAP2 protein (p.Ile221Val). The isoleucine residue is moderately conserved and there is a small physicochemical difference between isoleucine and valine. In summary, the available evidence is currently insufficient to determine the role of this variant in disease. Therefore, it has been classified as a Variant of Uncertain Significance. Algorithms developed to predict the effect of missense changes on protein structure and function (SIFT, PolyPhen-2, Align-GVGD) all suggest that this variant is likely to be tolerated, but these predictions have not been confirmed by published functional studies and their clinical significance is uncertain. This variant has not been reported in the literature in individuals with TAP2-related conditions. This variant is present in population databases (rs764363057, ExAC 0.01%).

NM_001290043.2(TAP2):c.661A>G (p.Ile221Val)

Genes: TAP2 (transporter 2, ATP binding cassette subfamily B member; minus strand), LOC107648851 (meiotic recombination hotspot TAP2; plus strand). Cytogenetic location: 6p21.32.
Variant type: single nucleotide variant.
Coding change: c.661A>G on transcript NM_001290043.2 (MANE Select); coding-DNA position 661, A replaced by G.
Protein change: p.Ile221Val; replaces isoleucine 221 with valine.
Molecular consequence: missense variant.
Genome position (GRCh38, 1-based): chr6:32,835,721, T>C on the plus strand (A>G on the coding strand, the complement: TAP2 is on the minus strand). VCF-style: chr6-32835721-T-C. GRCh37 (hg19) VCF-style: chr6-32803498-T-C.
Other names: c.661A>G, p.Ile221Val (NM_000544.3, NM_018833.3); short protein forms I221V.
Identifiers: ClinVar variation 836991 (VCV000836991.10), dbSNP rs764363057, ClinGen allele CA3746092.